The following is an entry in ClinVar:

NM_001134363.3(RBM20):c.2709T>A (p.Thr903=)

Gene: RBM20 (RNA binding motif protein 20; plus strand). Cytogenetic location: 10q25.2.
Variant type: single nucleotide variant.
Coding change: c.2709T>A on transcript NM_001134363.3 (MANE Select); coding-DNA position 2709, T replaced by A.
Protein change: p.Thr903=; no amino-acid change (threonine 903 retained).
Molecular consequence: synonymous variant.
Genome position (GRCh38, 1-based): chr10:110,821,328, T>A. VCF-style: chr10-110821328-T-A. GRCh37 (hg19) VCF-style: chr10-112581086-T-A.
Identifiers: ClinVar variation 470603 (VCV000470603.18), dbSNP rs1481403925, ClinGen allele CA471506961.

ClinVar aggregate classification (germline): Benign/Likely benign. Review status: criteria provided, multiple submitters, no conflicts (2 of 4 stars). 5 submissions from 5 submitters: Benign (2); Likely benign (3). Last evaluated 2026-07-01.

Conditions:
Dilated cardiomyopathy 1DD (CMD1DD). Identifiers: Orphanet 154, MedGen C2750995, MONDO:0013168, OMIM 613172.
Cardiovascular phenotype. Identifiers: MedGen CN230736.

Allele frequency attached by ClinVar (database versions not stated): gnomAD 0.00002; gnomAD exomes 0.00008 and 0.00026; TOPMed 0.00011.
gnomAD v4.1: 47 of 1,551,586 alleles (0.003%); highest among the groups gnomAD compares: Admixed American, 0.09%; no homozygotes.

Submissions (5):

CeGaT Center for Human Genetics Tuebingen
Classification: Likely benign. Last evaluated: 2026-07-01. Review status: criteria provided, single submitter. Criteria: CeGaT Center For Human Genetics Tuebingen Variant Classification Criteria Version 2. Collection method: clinical testing. Allele origin: germline. Affected: yes. Observed: 5 variant alleles.
Comment: RBM20: BP4, BP7

Women's Health and Genetics/Laboratory Corporation of America, LabCorp
Classification: Benign. Last evaluated: 2026-05-18. Review status: criteria provided, single submitter. Criteria: LabCorp Variant Classification Summary - May 2015. Collection method: clinical testing. Allele origin: germline.

Labcorp Genetics (formerly Invitae), Labcorp
Classification: Benign for Dilated cardiomyopathy 1DD. Last evaluated: 2026-01-14. Review status: criteria provided, single submitter. Criteria: Invitae Variant Classification Sherloc (09022015). Collection method: clinical testing. Allele origin: germline.

Fulgent Genetics
Classification: Likely benign for Dilated cardiomyopathy 1DD. Last evaluated: 2021-07-26. Review status: criteria provided, single submitter. Criteria: ACMG Guidelines, 2015. Collection method: clinical testing. Allele origin: unknown.

Ambry Genetics
Classification: Likely benign for Cardiovascular phenotype. Last evaluated: 2019-01-31. Review status: criteria provided, single submitter. Criteria: Ambry Variant Classification Scheme 2023. Collection method: clinical testing. Allele origin: germline.